The following is an entry in ClinVar:

NM_020975.6(RET):c.1698C>T (p.Pro566=)

Gene: RET (ret proto-oncogene; plus strand). Cytogenetic location: 10q11.21.
Variant type: single nucleotide variant.
Coding change: c.1698C>T on transcript NM_020975.6 (MANE Select); coding-DNA position 1698, C replaced by T.
Protein change: p.Pro566=; no amino-acid change (proline 566 retained).
Molecular consequence: synonymous variant.
Genome position (GRCh38, 1-based): chr10:43,112,902, C>T. VCF-style: chr10-43112902-C-T. GRCh37 (hg19) VCF-style: chr10-43608350-C-T.
Other names: c.1698C>T, p.Pro566= (NM_000323.2, NM_001406743.1, NM_001406744.1 and 6 more transcripts); c.936C>T, p.Pro312= (NM_001355216.2); c.1569C>T, p.Pro523= (NM_001406761.1, NM_001406762.1, NM_001406764.1 and 1 more transcripts); c.1410C>T, p.Pro470= (NM_001406766.1, NM_001406767.1, NM_001406770.1); c.1302C>T, p.Pro434= (NM_001406769.1, NM_001406772.1); c.1260C>T, p.Pro420= (NM_001406771.1, NM_001406773.1); c.1173C>T, p.Pro391= (NM_001406774.1); c.972C>T, p.Pro324= (NM_001406775.1, NM_001406776.1, NM_001406777.1 and 1 more transcripts); and 5 more.
Identifiers: ClinVar variation 543765 (VCV000543765.15), dbSNP rs760507059, ClinGen allele CA035097.
Genomic context (GRCh38, chr10:43,112,902, plus strand): 5'-GTCCTGTGCAGGGATCACCAGGAACTTCTCCACCTGCTCTCCCAGCACCAAGACCTGCCC[C>T]GACGGCCACTGCGATGTTGTGGAGACCCAAGACATCAACATTTGCCCTCAGGACTGCCTC-3'
Protein context (NP_066124.1, residues 556-576): STCSPSTKTC[Pro566=]DGHCDVVETQ

ClinVar aggregate classification (germline): Likely benign. Review status: criteria provided, multiple submitters, no conflicts (2 of 4 stars). 3 submissions from 3 submitters: Likely benign (3). Last evaluated 2025-10-01.

Conditions:
Hereditary cancer-predisposing syndrome. Also called: Neoplastic Syndromes, Hereditary; Hereditary Cancer Syndrome; Tumor predisposition; Hereditary neoplastic syndrome. Identifiers: Orphanet 140162, MedGen C0027672, MeSH D009386, MONDO:0015356.
Multiple endocrine neoplasia, type 2 (MEN2). Identifiers: Orphanet 653, MedGen C4048306, MONDO:0019003. Disease mechanism: gain of function.

Allele frequency attached by ClinVar (database versions not stated): ExAC 0.00001; gnomAD 0.00001; gnomAD exomes 0.00001 and 0.00004; TOPMed 0.00001.
gnomAD v4.1: 60 of 1,613,978 alleles (0.0037%); highest among the groups gnomAD compares: Middle Eastern, 0.033%; no homozygotes.

Submissions (3):

Labcorp Genetics (formerly Invitae), Labcorp
Classification: Likely benign for Multiple endocrine neoplasia, type 2. Last evaluated: 2025-10-01. Review status: criteria provided, single submitter. Criteria: Invitae Variant Classification Sherloc (09022015). Collection method: clinical testing. Allele origin: germline.

All of Us Research Program, National Institutes of Health
Classification: Likely benign for Multiple endocrine neoplasia, type 2. Last evaluated: 2023-11-30. Review status: criteria provided, single submitter. Criteria: ACMG Guidelines, 2015. Collection method: clinical testing. Allele origin: germline. Inheritance: Autosomal dominant inheritance. Observed: 4 variant alleles, 4 heterozygotes.
Comment: This study involves interpretation of variants in research participants for the purpose of population health screening. Participant phenotype was not available at the time of variant classification. Additional details can be found in publication PMID: 35346344, PMCID: PMC8962531

Ambry Genetics
Classification: Likely benign for Hereditary cancer-predisposing syndrome. Last evaluated: 2020-05-27. Review status: criteria provided, single submitter. Criteria: Ambry Variant Classification Scheme 2023. Collection method: clinical testing. Allele origin: germline.